The following is an entry in ClinVar:

NM_002887.4(RARS1):c.579G>T (p.Lys193Asn)

Gene: RARS1 (arginyl-tRNA synthetase 1; plus strand). Cytogenetic location: 5q34.
Variant type: single nucleotide variant.
Coding change: c.579G>T on transcript NM_002887.4 (MANE Select); coding-DNA position 579, G replaced by T.
Protein change: p.Lys193Asn; replaces lysine 193 with asparagine.
Molecular consequence: missense variant.
Genome position (GRCh38, 1-based): chr5:168,494,650, G>T. VCF-style: chr5-168494650-G-T. GRCh37 (hg19) VCF-style: chr5-167921655-G-T.
Other names: short protein forms K193N.
Identifiers: ClinVar variation 4530986 (VCV004530986.1).

ClinVar aggregate classification (germline): Likely pathogenic (1 of 4 stars; one submission).

Submission:

GeneDx
Classification: Likely pathogenic. Last evaluated: 2025-05-20. Review status: criteria provided, single submitter. Criteria: GeneDx Variant Classification Process June 2021. Collection method: clinical testing. Allele origin: germline. Affected: yes.
Comment: Alters the last nucleotide of the exon and is predicted to destroy the splice donor site and result in aberrant splicing, although in the absence of functional evidence the actual effect of this sequence change is unknown; Not observed at significant frequency in large population cohorts (gnomAD); Has not been previously published as pathogenic or benign to our knowledge; In silico analysis supports that this missense variant has a deleterious effect on protein structure/function